The following is an entry in ClinVar:

ClinVar aggregate classification (germline): Uncertain significance (1 of 4 stars; one submission).

Submission:

Labcorp Genetics (formerly Invitae), Labcorp
Classification: Uncertain significance. Last evaluated: 2024-05-31. Review status: criteria provided, single submitter. Criteria: Invitae Variant Classification Sherloc (09022015). Collection method: clinical testing. Allele origin: germline.
Comment: This sequence change creates a premature translational stop signal (p.Ala287Argfs*8) in the ANGPT1 gene. It is expected to result in an absent or disrupted protein product. However, the current clinical and genetic evidence is not sufficient to establish whether loss-of-function variants in ANGPT1 cause disease. This variant is not present in population databases (gnomAD no frequency). This variant has not been reported in the literature in individuals affected with ANGPT1-related conditions. In summary, the available evidence is currently insufficient to determine the role of this variant in disease. Therefore, it has been classified as a Variant of Uncertain Significance.

NM_001146.5(ANGPT1):c.858_859del (p.Ala287fs)

Gene: ANGPT1 (angiopoietin 1; minus strand). Cytogenetic location: 8q23.1.
Variant type: Microsatellite.
Coding change: c.858_859del on transcript NM_001146.5 (MANE Select); coding-DNA positions 858 to 859, 2 bases deleted (TG; older notation c.858_859delTG).
Protein change: p.Ala287fs; shifts the reading frame from alanine 287.
Molecular consequence: frameshift variant.
Genome position (GRCh38, 1-based): chr8:107,303,317-107,303,318, CA deleted on the plus strand (TG on the coding strand, the reverse complement: ANGPT1 is on the minus strand); deleting any 2 consecutive bases within chr8:107,303,317-107,303,320 gives the same sequence; the c. name uses the placement nearest the transcript's 3' end. VCF-style (leftmost placement, unchanged base first): chr8-107303316-GCA-G. GRCh37 (hg19) VCF-style: chr8-108315544-GCA-G.
Other names: c.855_856del, p.Ala286fs (NM_001199859.3); c.258_259del, p.Ala87fs (NM_001314051.2); short protein forms A286fs, A287fs, A87fs.
Identifiers: ClinVar variation 3654471 (VCV003654471.2).